The following is an entry in ClinVar:

NM_025114.4(CEP290):c.2911G>A (p.Glu971Lys)

Gene: CEP290 (centrosomal protein 290; minus strand). Cytogenetic location: 12q21.32.
Variant type: single nucleotide variant.
Coding change: c.2911G>A on transcript NM_025114.4 (MANE Select); coding-DNA position 2911, G replaced by A.
Protein change: p.Glu971Lys; replaces glutamic acid 971 with lysine.
Molecular consequence: missense variant.
Genome position (GRCh38, 1-based): chr12:88,102,918, C>T on the plus strand (G>A on the coding strand, the complement: CEP290 is on the minus strand). VCF-style: chr12-88102918-C-T. GRCh37 (hg19) VCF-style: chr12-88496695-C-T.
Other names: short protein forms E971K.
Identifiers: ClinVar variation 1475851 (VCV001475851.8), dbSNP rs780805963, ClinGen allele CA385969503.

ClinVar aggregate classification (germline): Uncertain significance (1 of 4 stars; one submission).

Conditions:
Nephronophthisis. Also called: Juvenile Nephronophthisis. Identifiers: Orphanet 655, MedGen C0687120, MONDO:0019005, HP:0000090.
Meckel-Gruber syndrome. Also called: DYSENCEPHALIA SPLANCHNOCYSTICA; GRUBER SYNDROME; Dysencephalia splachnocystica. Identifiers: Orphanet 564, MedGen C0265215, MONDO:0018921.
Joubert syndrome. Also called: CEREBELLOPARENCHYMAL DISORDER IV; JOUBERT-BOLTSHAUSER SYNDROME; Familial aplasia of the vermis. Identifiers: Orphanet 475, MedGen C5979921, MONDO:0018772.

Submission:

Labcorp Genetics (formerly Invitae), Labcorp
Classification: Uncertain significance for Joubert syndrome; Meckel-Gruber syndrome; Nephronophthisis. Last evaluated: 2021-06-23. Review status: criteria provided, single submitter. Criteria: Invitae Variant Classification Sherloc (09022015). Collection method: clinical testing. Allele origin: germline.
Comment: This sequence change replaces glutamic acid with lysine at codon 971 of the CEP290 protein (p.Glu971Lys). The glutamic acid residue is highly conserved and there is a small physicochemical difference between glutamic acid and lysine. In summary, the available evidence is currently insufficient to determine the role of this variant in disease. Therefore, it has been classified as a Variant of Uncertain Significance. Algorithms developed to predict the effect of missense changes on protein structure and function (SIFT, PolyPhen-2, Align-GVGD) all suggest that this variant is likely to be tolerated, but these predictions have not been confirmed by published functional studies and their clinical significance is uncertain. This variant has not been reported in the literature in individuals with CEP290-related conditions. This variant is not present in population databases (ExAC no frequency).